The following is an entry in ClinVar:

NM_006073.4(TRDN):c.1754G>A (p.Arg585Gln)

Gene: TRDN (triadin; minus strand). Cytogenetic location: 6q22.31.
Variant type: single nucleotide variant.
Coding change: c.1754G>A on transcript NM_006073.4 (MANE Select); coding-DNA position 1754, G replaced by A.
Protein change: p.Arg585Gln; replaces arginine 585 with glutamine.
Molecular consequence: missense variant.
Genome position (GRCh38, 1-based): chr6:123,267,736, C>T on the plus strand (G>A on the coding strand, the complement: TRDN is on the minus strand). VCF-style: chr6-123267736-C-T. GRCh37 (hg19) VCF-style: chr6-123588881-C-T.
Other names: p.Arg585Gln; short protein forms R585Q.
Identifiers: ClinVar variation 578641 (VCV000578641.23), dbSNP rs199986608, ClinGen allele CA3983769.

ClinVar aggregate classification (germline): Conflicting classifications of pathogenicity. Review status: criteria provided, conflicting classifications (1 of 4 stars). 4 submissions from 4 submitters: Uncertain significance (2); Likely benign (2). Last evaluated 2025-10-22.

Conditions:
Catecholaminergic polymorphic ventricular tachycardia 1. Also called: VENTRICULAR TACHYCARDIA, CATECHOLAMINERGIC POLYMORPHIC, 1, WITH OR WITHOUT ATRIAL DYSFUNCTION AND/OR DILATED CARDIOMYOPATHY; VENTRICULAR TACHYCARDIA, STRESS-INDUCED POLYMORPHIC 1; RYR2-Related Catecholaminergic Polymorphic Ventricular Tachycardia. Identifiers: Orphanet 3286, MedGen C1631597, MONDO:0011484, OMIM 604772.
Cardiovascular phenotype. Identifiers: MedGen CN230736.

Allele frequency attached by ClinVar (database versions not stated): gnomAD 0.00003 and 0.00004; gnomAD exomes 0.00005; TOPMed 0.00005; ESP Exome Variant Server 0.00009; ExAC 0.00011.

Submissions (4):

Mayo Clinic Laboratories, Mayo Clinic
Classification: Likely benign. Last evaluated: 2025-10-22. Review status: criteria provided, single submitter. Criteria: ACMG Guidelines, 2015. Collection method: clinical testing. Allele origin: germline. Observed: 1 variant allele.
Comment: BS1, BP4_moderate

GeneDx
Classification: Uncertain significance. Last evaluated: 2022-10-20. Review status: criteria provided, single submitter. Criteria: GeneDx Variant Classification Process June 2021. Collection method: clinical testing. Allele origin: germline. Affected: yes.
Comment: Not observed at significant frequency in large population cohorts (gnomAD); In silico analysis supports that this missense variant does not alter protein structure/function; Has not been previously published as pathogenic or benign to our knowledge

Labcorp Genetics (formerly Invitae), Labcorp
Classification: Uncertain significance for Catecholaminergic polymorphic ventricular tachycardia 1. Last evaluated: 2022-07-25. Review status: criteria provided, single submitter. Criteria: Invitae Variant Classification Sherloc (09022015). Collection method: clinical testing. Allele origin: germline.
Comment: This sequence change replaces arginine, which is basic and polar, with glutamine, which is neutral and polar, at codon 585 of the TRDN protein (p.Arg585Gln). This variant is present in population databases (rs199986608, gnomAD 0.01%). This variant has not been reported in the literature in individuals affected with TRDN-related conditions. ClinVar contains an entry for this variant (Variation ID: 578641). Algorithms developed to predict the effect of missense changes on protein structure and function output the following: SIFT: "Tolerated"; PolyPhen-2: "Benign"; Align-GVGD: "Class C0". The glutamine amino acid residue is found in multiple mammalian species, which suggests that this missense change does not adversely affect protein function. In summary, the available evidence is currently insufficient to determine the role of this variant in disease. Therefore, it has been classified as a Variant of Uncertain Significance.

Ambry Genetics
Classification: Likely benign for Cardiovascular phenotype. Last evaluated: 2022-02-03. Review status: criteria provided, single submitter. Criteria: Ambry Variant Classification Scheme 2023. Collection method: clinical testing. Allele origin: germline.